The following is an entry in ClinVar:

NM_024589.3(ROGDI):c.397A>G (p.Ser133Gly)

Gene: ROGDI (rogdi atypical leucine zipper; minus strand). Cytogenetic location: 16p13.3.
Variant type: single nucleotide variant.
Coding change: c.397A>G on transcript NM_024589.3 (MANE Select); coding-DNA position 397, A replaced by G.
Protein change: p.Ser133Gly; replaces serine 133 with glycine.
Molecular consequence: missense variant. On other transcripts: non-coding transcript variant (1).
Genome position (GRCh38, 1-based): chr16:4,799,721, T>C on the plus strand (A>G on the coding strand, the complement: ROGDI is on the minus strand). VCF-style: chr16-4799721-T-C. GRCh37 (hg19) VCF-style: chr16-4849722-T-C.
Other names: c.397A>G (NM_024589.1); short protein forms S133G.
Identifiers: ClinVar variation 410629 (VCV000410629.6), dbSNP rs987191768, ClinGen allele CA16614942.
Genomic context (GRCh38, chr16:4,799,721, plus strand): 5'-GGAGTCAGGCCCGGGGGCAGCTCACCTTGAGGACCTCAGCGCCCGTCTTGAACTGGTAGC[T>C]CTGGTCCCGGCTGGTAAGCAGGTAAATGGCTTGGCTCACATGGTTTCTGGCATCCTGGAT-3'
Protein context (NP_078865.1, residues 123-143): AIYLLTSRDQ[Ser133Gly]YQFKTGAEVL

ClinVar aggregate classification (germline): Uncertain significance. Review status: criteria provided, multiple submitters, no conflicts (2 of 4 stars). 2 submissions from 2 submitters: Uncertain significance (2). Last evaluated 2024-01-02.

Conditions:
Inborn genetic diseases. Identifiers: MedGen C0950123, MeSH D030342.
Amelocerebrohypohidrotic syndrome (KTZS). Also called: KOHLSCHUTTER SYNDROME; Kohlschutter's syndrome; EPILEPSY AND YELLOW TEETH; EPILEPSY, DEMENTIA, AND AMELOGENESIS IMPERFECTA. Identifiers: Orphanet 1946, MedGen C0406740, MONDO:0009185, OMIM 226750.

Allele frequency attached by ClinVar (database versions not stated): gnomAD exomes below 0.00001 and 0.00001; gnomAD 0.00005 and 0.00006; TOPMed 0.00007.
gnomAD v4.1: 20 of 1,613,580 alleles (0.0012%); highest among the groups gnomAD compares: Admixed American, 0.017%; no homozygotes.

Submissions (2):

Ambry Genetics
Classification: Uncertain significance for Inborn genetic diseases. Last evaluated: 2024-01-02. Review status: criteria provided, single submitter. Criteria: Ambry Variant Classification Scheme 2023. Collection method: clinical testing. Allele origin: germline.

Labcorp Genetics (formerly Invitae), Labcorp
Classification: Uncertain significance for Amelocerebrohypohidrotic syndrome. Last evaluated: 2022-03-29. Review status: criteria provided, single submitter. Criteria: Invitae Variant Classification Sherloc (09022015). Collection method: clinical testing. Allele origin: germline.
Comment: This sequence change replaces serine, which is neutral and polar, with glycine, which is neutral and non-polar, at codon 133 of the ROGDI protein (p.Ser133Gly). This variant is present in population databases (no rsID available, gnomAD 0.006%). This variant has not been reported in the literature in individuals affected with ROGDI-related conditions. ClinVar contains an entry for this variant (Variation ID: 410629). Algorithms developed to predict the effect of missense changes on protein structure and function output the following: SIFT: "Tolerated"; PolyPhen-2: "Benign"; Align-GVGD: "Class C0". The glycine amino acid residue is found in multiple mammalian species, which suggests that this missense change does not adversely affect protein function. In summary, the available evidence is currently insufficient to determine the role of this variant in disease. Therefore, it has been classified as a Variant of Uncertain Significance.